The following is an entry in ClinVar:

ClinVar aggregate classification (germline): Pathogenic (1 of 4 stars; one submission).

Conditions:
Familial focal epilepsy with variable foci (FPEVF). Identifiers: Orphanet 98820, MedGen C1858477, MONDO:0020310.

Submission:

Labcorp Genetics (formerly Invitae), Labcorp
Classification: Pathogenic for Familial focal epilepsy with variable foci. Last evaluated: 2019-02-04. Review status: criteria provided, single submitter. Criteria: Invitae Variant Classification Sherloc (09022015). Collection method: clinical testing. Allele origin: germline.
Comment: This variant is a gross deletion of the genomic region encompassing exons 2-10 of the DEPDC5 gene, which includes the initiator codon. The 5' end of this event is unknown as it extends beyond the assayed region for this gene and therefore may encompass additional genes. The 3' boundary is likely confined to intron 10 of the DEPDC5 gene. This is expected to result in an absent or disrupted protein product. For these reasons, this variant has been classified as Pathogenic. Loss-of-function variants in DEPDC5 are known to be pathogenic (PMID: 23542697, 23542701). This variant has not been reported in the literature in individuals with DEPDC5-related conditions.

Literature cited by the submitters: PubMed 23542697; PubMed 23542701.

NC_000022.11:g.(?_31754902)_(31784895_?)del

Gene: DEPDC5 (DEP domain containing 5, GATOR1 subcomplex subunit; plus strand). Cytogenetic location: 22q12.2.
Variant type: Deletion.
Identifiers: ClinVar variation 831884 (VCV000831884.5).